The following is an entry in ClinVar:

NM_001379081.2(FREM1):c.2883C>T (p.Tyr961=)

Genes: FREM1 (FRAS1 related extracellular matrix 1; minus strand), LOC126860582 (P300/CBP strongly-dependent group 1 enhancer GRCh37_chr9:14812530-14813729; plus strand). Cytogenetic location: 9p22.3.
Variant type: single nucleotide variant.
Coding change: c.2883C>T on transcript NM_001379081.2 (MANE Select); coding-DNA position 2883, C replaced by T.
Protein change: p.Tyr961=; no amino-acid change (tyrosine 961 retained).
Molecular consequence: synonymous variant. On other transcripts: non-coding transcript variant (2).
Genome position (GRCh38, 1-based): chr9:14,812,822, G>A on the plus strand (C>T on the coding strand, the complement: FREM1 is on the minus strand). VCF-style: chr9-14812822-G-A. GRCh37 (hg19) VCF-style: chr9-14812820-G-A.
Other names: c.2883C>T, p.Tyr961= (NM_144966.7).
Identifiers: ClinVar variation 4848923 (VCV004848923.1).
Genomic context (GRCh38, chr9:14,812,822, plus strand): 5'-GACTCTCATGTTGCTTGCATTCCCTCACTGGTCACCATGCTGCTGCTTACCTGTGTGTTT[G>A]TATGTCACGGCCTCTGAGATAACATCTCTCTGAGAGAACTGATCCACTGTGACTCCAGCT-3'
Protein context (NP_001366010.1, residues 951-971): QRDVISEAVT[Tyr961=]KHTGGEIGLM

ClinVar aggregate classification (germline): Likely benign (1 of 4 stars; one submission).

gnomAD v4.1: 4 of 1,608,686 alleles (0.00025%); highest among the groups gnomAD compares: South Asian, 0.0033%; no homozygotes.

Submission:

Women's Health and Genetics/Laboratory Corporation of America, LabCorp
Classification: Likely benign. Last evaluated: 2026-04-03. Review status: criteria provided, single submitter. Criteria: LabCorp Variant Classification Summary - May 2015. Collection method: clinical testing. Allele origin: germline.
Comment: Variant summary: FREM1 c.2883C>T alters a conserved nucleotide resulting in a synonymous change. Consensus agreement among computation tools predict no significant impact on normal splicing. However, these predictions have yet to be confirmed by functional studies. The variant was absent in 245494 control chromosomes. The available data on variant occurrences in the general population are insufficient to allow any conclusion about variant significance. To our knowledge, no occurrence of c.2883C>T in individuals affected with FREM1-related conditions and no experimental evidence demonstrating its impact on protein function have been reported. No submitters have cited clinical-significance assessments for this variant to ClinVar. Based on the evidence outlined above, the variant was classified as likely benign.